The following is an entry in ClinVar:

NM_181523.3(PIK3R1):c.1118+5G>A

Gene: PIK3R1 (phosphoinositide-3-kinase regulatory subunit 1; plus strand). Cytogenetic location: 5q13.1.
Variant type: single nucleotide variant.
Coding change: c.1118+5G>A on transcript NM_181523.3 (MANE Select); 5 bases into the intron after coding-DNA position 1118, G replaced by A.
Molecular consequence: intron variant.
Genome position (GRCh38, 1-based): chr5:68,293,204, G>A. VCF-style: chr5-68293204-G-A. GRCh37 (hg19) VCF-style: chr5-67589032-G-A.
Other names: c.218+5G>A (NM_181524.2); c.308+5G>A (NM_181504.4); c.29+5G>A (NM_001242466.2).
Identifiers: ClinVar variation 1348055 (VCV001348055.6), dbSNP rs773388284, ClinGen allele CA3290328.

ClinVar aggregate classification (germline): Uncertain significance (1 of 4 stars; one submission).

Conditions:
SHORT syndrome. Also called: LIPODYSTROPHY, PARTIAL, WITH RIEGER ANOMALY AND SHORT STATURE; PIK3R1-Related SHORT Syndrome; SHORT STATURE, HYPEREXTENSIBILITY, HERNIA, OCULAR DEPRESSION, RIEGER ANOMALY, AND TEETHING DELAY. Identifiers: Orphanet 3163, MedGen C0878684, MONDO:0010026, OMIM 269880.
Agammaglobulinemia 7, autosomal recessive (AGM7). Also called: AGAMMAGLOBULINEMIA, AUTOSOMAL RECESSIVE, DUE TO PIK3R1 DEFECT. Identifiers: MedGen C3554689, MONDO:0014083, OMIM 615214.
Immunodeficiency 36 with lymphoproliferation. Also called: Immunodeficiency 36; ACTIVATED PI3K-DELTA SYNDROME 2; Activated PI3K Delta Syndrome Type 2 (APDS2). Identifiers: Orphanet 397596, Orphanet 693681, MedGen C4014934, MONDO:0014453, OMIM 616005.

Allele frequency attached by ClinVar (database versions not stated): gnomAD exomes 0.00001; ExAC 0.00002.
gnomAD v4.1: 3 of 1,611,348 alleles (0.00019%); highest among the groups gnomAD compares: Non-Finnish European, 0.00025%; no homozygotes.

Submission:

Labcorp Genetics (formerly Invitae), Labcorp
Classification: Uncertain significance for SHORT syndrome; Immunodeficiency 36 with lymphoproliferation; Agammaglobulinemia 7, autosomal recessive. Last evaluated: 2023-01-12. Review status: criteria provided, single submitter. Criteria: Invitae Variant Classification Sherloc (09022015). Collection method: clinical testing. Allele origin: germline.
Comment: ClinVar contains an entry for this variant (Variation ID: 1348055). This sequence change falls in intron 9 of the PIK3R1 gene. It does not directly change the encoded amino acid sequence of the PIK3R1 protein. It affects a nucleotide within the consensus splice site. This variant is present in population databases (rs773388284, gnomAD 0.003%). This variant has not been reported in the literature in individuals affected with PIK3R1-related conditions. Variants that disrupt the consensus splice site are a relatively common cause of aberrant splicing (PMID: 17576681, 9536098). Algorithms developed to predict the effect of sequence changes on RNA splicing suggest that this variant may create or strengthen a splice site. In summary, the available evidence is currently insufficient to determine the role of this variant in disease. Therefore, it has been classified as a Variant of Uncertain Significance.

Literature cited by the submitters: PubMed 17576681; PubMed 9536098.